The following is an entry in ClinVar:

ClinVar aggregate classification (germline): Pathogenic (1 of 4 stars; one submission).

Submission:

Labcorp Genetics (formerly Invitae), Labcorp
Classification: Pathogenic. Last evaluated: 2022-02-25. Review status: criteria provided, single submitter. Criteria: Invitae Variant Classification Sherloc (09022015). Collection method: clinical testing. Allele origin: germline.
Comment: For these reasons, this variant has been classified as Pathogenic. Algorithms developed to predict the effect of sequence changes on RNA splicing suggest that this variant may disrupt the consensus splice site. ClinVar contains an entry for this variant (Variation ID: 958084). This variant has not been reported in the literature in individuals affected with RGS9-related conditions. This variant is not present in population databases (gnomAD no frequency). This sequence change creates a premature translational stop signal (p.Thr221Serfs*15) in the RGS9 gene. It is expected to result in an absent or disrupted protein product. Loss-of-function variants in RGS9 are known to be pathogenic (PMID: 11262419, 14702087).

Literature cited by the submitters: PubMed 11262419; PubMed 14702087.

NM_003835.4(RGS9):c.660_663del (p.Thr221fs)

Gene: RGS9 (regulator of G protein signaling 9; plus strand). Cytogenetic location: 17q24.1.
Variant type: Microsatellite.
Coding change: c.660_663del on transcript NM_003835.4 (MANE Select); coding-DNA positions 660 to 663, 4 bases deleted (AACA; older notation c.660_663delAACA).
Protein change: p.Thr221fs; shifts the reading frame from threonine 221.
Molecular consequence: frameshift variant.
Genome position (GRCh38, 1-based): chr17:65,189,291-65,189,294, AACA deleted; deleting any 4 consecutive bases within chr17:65,189,286-65,189,294 gives the same sequence; the c. name uses the placement nearest the transcript's 3' end. VCF-style (leftmost placement, unchanged base first): chr17-65189285-GAAAC-G. GRCh37 (hg19) VCF-style: chr17-63185403-GAAAC-G.
Other names: c.651_654del, p.Thr218fs (NM_001081955.3, NM_001165933.2); short protein forms T218fs, T221fs.
Identifiers: ClinVar variation 958084 (VCV000958084.7), dbSNP rs749870323, ClinGen allele CA8717773.
Genomic context (GRCh38, chr17:65,189,285, plus strand): 5'-GTGTTTGAACTGTAATGATTTCATGACATCTGCCTAACGGTTTTGTTTCTTTGTCTTACA[GAAAC>G]AAACAGTCGTTGCTGTCAAAAAAGAGGTAATTAGTCTTACACTTCCAGTGAAGAATGGTT-3'